The following is an entry in ClinVar:

NM_002478.5(MYOD1):c.557dup (p.Arg188fs)

Gene: MYOD1 (myogenic differentiation 1; plus strand). Cytogenetic location: 11p15.1.
Variant type: Duplication.
Coding change: c.557dup on transcript NM_002478.5 (MANE Select); coding-DNA position 557, one base duplicated (C; older notation c.557dupC).
Protein change: p.Arg188fs; shifts the reading frame from arginine 188.
Molecular consequence: frameshift variant.
Genome position (GRCh38, 1-based): chr11:17,720,339, C duplicated; the last of 5 consecutive C bases (chr11:17,720,335-17,720,339); duplicating any one gives the same sequence. VCF-style (leftmost placement, unchanged base first): chr11-17720334-G-GC. GRCh37 (hg19) VCF-style: chr11-17741881-G-GC.
Other names: short protein forms R188fs.
Identifiers: ClinVar variation 631486 (VCV000631486.8), dbSNP rs1179926739, ClinGen allele CA915947975.

ClinVar aggregate classification (germline): Pathogenic. Review status: criteria provided, single submitter (1 of 4 stars). 2 submissions from 2 submitters: Pathogenic (1). 1 of the submissions does not count toward it. Last evaluated 2019-05-13.

Conditions:
Autosomal dominant centronuclear myopathy. Also called: Myopathy, centronuclear, 3; MYOTUBULAR MYOPATHY, AUTOSOMAL DOMINANT. Identifiers: Orphanet 169189, MedGen C4551952, MeSH D020914, MONDO:0008048, OMIM 160150.
Arthrogryposis multiplex congenita (AMC). Also called: Congenital multiple arthrogryposis; Fibrous ankylosis of multiple joints; Congenital arthromyodysplasia; Myodystrophia fetalis deformans; Otto syndrome; Rocher-Sheldon syndrome. Identifiers: Orphanet 1037, MedGen C5779613, MeSH D001176, MONDO:0015168, HP:0002804.
Myopathy, congenital, with diaphragmatic defects, respiratory insufficiency, and dysmorphic facies. Also called: MYOPATHY, CONGENITAL, DUE TO MYOD1 DEFICIENCY; CONGENITAL MYOPATHY 17. Identifiers: MedGen C5436530, MONDO:0033548, OMIM 618975.

Submissions (2):

Kasturba Medical College, Manipal, Kasturba Medical College, Manipal, Manipal Academy of Higher Education, Manipal, India
Classification: Pathogenic for Myopathy, centronuclear, 1; Arthrogryposis multiplex congenita. Last evaluated: 2019-05-13. Review status: criteria provided, single submitter. Criteria: ACMG Guidelines, 2015. Collection method: clinical testing. Allele origin: germline. Inheritance: Autosomal recessive inheritance. Affected: yes. Observed: 1 homozygote.
Comment: The novel variant, c.557dup (p.Arg188ProfsTer90) results in a frameshift and thus premature termination of the transcript. This variant was not present in population databases like 1000 Genome project, Genome Aggregation Database (gnomAD) and in our in-house WES database of 538 Indians.

OMIM
Classification: Pathogenic for CONGENITAL MYOPATHY 17. Last evaluated: 2024-07-16. Review status: no assertion criteria provided. Collection method: literature only. Allele origin: germline. Not counted in ClinVar's aggregate classification.

Literature cited by the submitters: PubMed 31260566 (cited by OMIM).